The following is an entry in ClinVar:

NM_016122.3(CEP83):c.1532G>C (p.Arg511Pro)

Gene: CEP83 (centrosomal protein 83; minus strand). Cytogenetic location: 12q22.
Variant type: single nucleotide variant.
Coding change: c.1532G>C on transcript NM_016122.3 (MANE Select); coding-DNA position 1532, G replaced by C.
Protein change: p.Arg511Pro; replaces arginine 511 with proline.
Molecular consequence: missense variant. On other transcripts: non-coding transcript variant (2).
Genome position (GRCh38, 1-based): chr12:94,333,527, C>G on the plus strand (G>C on the coding strand, the complement: CEP83 is on the minus strand). VCF-style: chr12-94333527-C-G. GRCh37 (hg19) VCF-style: chr12-94727303-C-G.
Other names: c.1532G>C, p.Arg511Pro (NM_001042399.2, NM_001346457.2, NM_001368037.1 and 1 more transcripts); c.1220G>C, p.Arg407Pro (NM_001346458.2, NM_001346459.2, NM_001368039.1 and 1 more transcripts); c.1307G>C, p.Arg436Pro (NM_001368041.1); short protein forms R511P, R436P, R407P.
Identifiers: ClinVar variation 139544 (VCV000139544.9), dbSNP rs587777487, ClinGen allele CA163253.

ClinVar aggregate classification (germline): Pathogenic/Likely pathogenic. Review status: criteria provided, multiple submitters, no conflicts (2 of 4 stars). 3 submissions from 3 submitters: Pathogenic (1); Likely pathogenic (1). 1 of the submissions does not count toward it. Last evaluated 2024-07-23.

Conditions:
CEP83-related disorder. Also called: CEP83-related condition.
Nephronophthisis 18 (NPHP18). Identifiers: Orphanet 655, MedGen C3890591, MONDO:0014374, OMIM 615862.

Allele frequency attached by ClinVar (database versions not stated): ExAC 0.00001; TOPMed 0.00005.
gnomAD v4.1: 22 of 1,613,342 alleles (0.0014%); highest among the groups gnomAD compares: African/African-American, 0.0053%; no homozygotes.

Submissions (3):

Labcorp Genetics (formerly Invitae), Labcorp
Classification: Pathogenic for Nephronophthisis 18. Last evaluated: 2024-07-23. Review status: criteria provided, single submitter. Criteria: Invitae Variant Classification Sherloc (09022015). Collection method: clinical testing. Allele origin: germline.
Comment: This sequence change replaces arginine, which is basic and polar, with proline, which is neutral and non-polar, at codon 511 of the CEP83 protein (p.Arg511Pro). This variant is present in population databases (rs587777487, gnomAD 0.007%). This missense change has been observed in individual(s) with nephronophthisis (PMID: 24882706). In at least one individual the data is consistent with being in trans (on the opposite chromosome) from a pathogenic variant. It has also been observed to segregate with disease in related individuals. ClinVar contains an entry for this variant (Variation ID: 139544). Advanced modeling of protein sequence and biophysical properties (such as structural, functional, and spatial information, amino acid conservation, physicochemical variation, residue mobility, and thermodynamic stability) performed at Invitae indicates that this missense variant is expected to disrupt CEP83 protein function with a positive predictive value of 80%. Experimental studies have shown that this missense change affects CEP83 function (PMID: 24882706). For these reasons, this variant has been classified as Pathogenic.

Blueprint Genetics
Classification: Likely pathogenic for CEP83-related disorders. Last evaluated: 2024-03-13. Review status: criteria provided, single submitter. Criteria: ACMG Guidelines, 2015. Collection method: clinical testing. Allele origin: germline. Affected: yes. Observed: 4 variant alleles.

OMIM
Classification: Pathogenic for NEPHRONOPHTHISIS 18. Last evaluated: 2014-06-05. Review status: no assertion criteria provided. Collection method: literature only. Allele origin: germline. Not counted in ClinVar's aggregate classification.

Literature cited by the submitters: PubMed 24882706 (cited by Labcorp Genetics (formerly Invitae), Labcorp and OMIM).